The following is an entry in ClinVar:

NM_007157.4(ZXDB):c.245GCG[4] (p.Gly86_Gly89del)

Gene: ZXDB (zinc finger X-linked duplicated B; plus strand). Cytogenetic location: Xp11.21.
Variant type: Microsatellite.
Coding change: c.245GCG[4] on transcript NM_007157.4 (MANE Select); four copies in a row of the 3-base unit GCG starting at c.245; the reference has eight copies in a row; four copies, 12 bases deleted.
Protein change: p.Gly86_Gly89del.
Molecular consequence: inframe deletion.
Genome position (GRCh38, 1-based): chrX:57,592,305-57,592,316, GCGGCGGCGGCG deleted; deleting any 12 consecutive bases within chrX:57,592,293-57,592,316 gives the same sequence; the position shown is the placement nearest the transcript's 3' end. VCF-style (leftmost placement, unchanged base first): chrX-57592292-AGCGGCGGCGGCG-A. GRCh37 (hg19) VCF-style: chrX-57618725-AGCGGCGGCGGCG-A.
Identifiers: ClinVar variation 2660725 (VCV002660725.24), dbSNP rs762823700, ClinGen allele CA642471602.

ClinVar aggregate classification (germline): Likely benign (1 of 4 stars; one submission).

Submission:

CeGaT Center for Human Genetics Tuebingen
Classification: Likely benign. Last evaluated: 2023-06-01. Review status: criteria provided, single submitter. Criteria: CeGaT Center For Human Genetics Tuebingen Variant Classification Criteria Version 2. Collection method: clinical testing. Allele origin: germline. Affected: yes. Observed: 3 variant alleles.
Comment: ZXDB: BS2